The following is an entry in ClinVar:

ClinVar aggregate classification (germline): Pathogenic (1 of 4 stars; one submission).

Conditions:
Progressive sclerosing poliodystrophy (MTDPS4A). Also called: NEURONAL DEGENERATION OF CHILDHOOD WITH LIVER DISEASE, PROGRESSIVE; ALPERS PROGRESSIVE INFANTILE POLIODYSTROPHY; Mitochondrial DNA Depletion Syndrome 4A; Alpers-Huttenlocher Syndrome (AHS); Alpers Syndrome; ALPERS DIFFUSE DEGENERATION OF CEREBRAL GRAY MATTER WITH HEPATIC CIRRHOSIS. Identifiers: Orphanet 726, MedGen C0205710, MONDO:0008758, OMIM 203700.

Submission:

Labcorp Genetics (formerly Invitae), Labcorp
Classification: Pathogenic for Progressive sclerosing poliodystrophy. Last evaluated: 2025-02-06. Review status: criteria provided, single submitter. Criteria: Invitae Variant Classification Sherloc (09022015). Collection method: clinical testing. Allele origin: germline.
Comment: This sequence change creates a premature translational stop signal (p.Asp629Glufs*40) in the POLG gene. It is expected to result in an absent or disrupted protein product. Loss-of-function variants in POLG are known to be pathogenic (PMID: 18546365). This variant is not present in population databases (gnomAD no frequency). This variant has not been reported in the literature in individuals affected with POLG-related conditions. ClinVar contains an entry for this variant (Variation ID: 942821). For these reasons, this variant has been classified as Pathogenic.

Literature cited by the submitters: PubMed 18546365.

NM_002693.3(POLG):c.1887del (p.Asp629fs)

Gene: POLG (DNA polymerase gamma, catalytic subunit; minus strand). Cytogenetic location: 15q26.1.
Variant type: Deletion.
Coding change: c.1887del on transcript NM_002693.3 (MANE Select); coding-DNA position 1887, one base deleted (C; older notation c.1887delC).
Protein change: p.Asp629fs; shifts the reading frame from aspartic acid 629.
Molecular consequence: frameshift variant.
Genome position (GRCh38, 1-based): chr15:89,325,512, G deleted on the plus strand (C on the coding strand, the reverse complement: POLG is on the minus strand). VCF-style (leftmost placement, unchanged base first): chr15-89325511-TG-T. GRCh37 (hg19) VCF-style: chr15-89868742-TG-T.
Other names: c.1887del, p.Asp629fs (NM_001126131.2); short protein forms D629fs.
Identifiers: ClinVar variation 942821 (VCV000942821.8), dbSNP rs2055503614, ClinGen allele CA1139664121.